The following is an entry in ClinVar:

NM_000264.5(PTCH1):c.2303C>G (p.Thr768Ser)

Genes: PTCH1 (patched 1; minus strand), LOC100507346 (uncharacterized LOC100507346; plus strand). Cytogenetic location: 9q22.32.
Variant type: single nucleotide variant.
Coding change: c.2303C>G on transcript NM_000264.5 (MANE Select); coding-DNA position 2303, C replaced by G.
Protein change: p.Thr768Ser; replaces threonine 768 with serine.
Molecular consequence: missense variant. On other transcripts: non-coding transcript variant (1).
Genome position (GRCh38, 1-based): chr9:95,467,373, G>C on the plus strand (C>G on the coding strand, the complement: PTCH1 is on the minus strand). VCF-style: chr9-95467373-G-C. GRCh37 (hg19) VCF-style: chr9-98229655-G-C.
Other names: c.2105C>G, p.Thr702Ser (NM_001083602.3); c.2300C>G, p.Thr767Ser (NM_001083603.3); c.1850C>G, p.Thr617Ser (NM_001083604.3, NM_001083605.3, NM_001083606.3 and 1 more transcripts); c.2147C>G, p.Thr716Ser (NM_001354918.2); c.2303C>G (NM_000264.3); short protein forms T617S, T702S, T716S, T767S, T768S.
Identifiers: ClinVar variation 1009673 (VCV001009673.10), dbSNP rs878853850, ClinGen allele CA374114649.

ClinVar aggregate classification (germline): Uncertain significance. Review status: criteria provided, multiple submitters, no conflicts (2 of 4 stars). 2 submissions from 2 submitters: Uncertain significance (2). Last evaluated 2025-05-05.

Conditions:
Gorlin syndrome. Also called: Nevoid Basal Cell Carcinoma Syndrome; Basal cell nevus syndrome. Identifiers: Orphanet 377, MedGen C0004779, MONDO:0007187.
Hereditary cancer-predisposing syndrome. Also called: Tumor predisposition; Hereditary Cancer Syndrome; Neoplastic Syndromes, Hereditary; Hereditary neoplastic syndrome. Identifiers: Orphanet 140162, MedGen C0027672, MeSH D009386, MONDO:0015356.

Submissions (2):

Ambry Genetics
Classification: Uncertain significance for Hereditary cancer-predisposing syndrome. Last evaluated: 2025-05-05. Review status: criteria provided, single submitter. Criteria: Ambry Variant Classification Scheme 2023. Collection method: clinical testing. Allele origin: germline.
Comment: The p.T768S variant (also known as c.2303C>G), located in coding exon 15 of the PTCH1 gene, results from a C to G substitution at nucleotide position 2303. The threonine at codon 768 is replaced by serine, an amino acid with similar properties. This variant was identified in a cohort of Brazilian individuals with a personal and/or family history of breast cancer (Pereira JZ et al. Mol Biol Rep, 2022 Oct;49:9509-9520). This amino acid position is highly conserved in available vertebrate species. In addition, this alteration is predicted to be deleterious by in silico analysis. Based on the available evidence, the clinical significance of this variant remains unclear.

Labcorp Genetics (formerly Invitae), Labcorp
Classification: Uncertain significance for Gorlin syndrome. Last evaluated: 2020-10-25. Review status: criteria provided, single submitter. Criteria: Invitae Variant Classification Sherloc (09022015). Collection method: clinical testing. Allele origin: germline.
Comment: This variant has not been reported in the literature in individuals with PTCH1-related conditions. In summary, the available evidence is currently insufficient to determine the role of this variant in disease. Therefore, it has been classified as a Variant of Uncertain Significance. Advanced modeling of protein sequence and biophysical properties (such as structural, functional, and spatial information, amino acid conservation, physicochemical variation, residue mobility, and thermodynamic stability) performed at Invitae indicates that this missense variant is not expected to disrupt PTCH1 protein function. This variant is not present in population databases (ExAC no frequency). This sequence change replaces threonine with serine at codon 768 of the PTCH1 protein (p.Thr768Ser). The threonine residue is moderately conserved and there is a small physicochemical difference between threonine and serine.

Literature cited by the submitters: PubMed 35980532 (cited by Ambry Genetics).